The following is an entry in ClinVar:

NM_153026.3(PRICKLE1):c.775+257G>A

Genes: PRICKLE1 (prickle planar cell polarity protein 1; minus strand), LOC126861509 (BRD4-independent group 4 enhancer GRCh37_chr12:42858567-42859766; plus strand). Cytogenetic location: 12q12.
Variant type: single nucleotide variant.
Coding change: c.775+257G>A on transcript NM_153026.3 (MANE Select); 257 bases into the intron after coding-DNA position 775, G replaced by A.
Molecular consequence: intron variant.
Genome position (GRCh38, 1-based): chr12:42,465,937, C>T on the plus strand (G>A on the coding strand, the complement: PRICKLE1 is on the minus strand). VCF-style: chr12-42465937-C-T. GRCh37 (hg19) VCF-style: chr12-42859739-C-T.
Other names: c.775+257G>A (NM_001144883.2, NM_001144882.2, NM_001144881.2).
Identifiers: ClinVar variation 669485 (VCV000669485.2), dbSNP rs12229266, ClinGen allele CA13587261.

ClinVar aggregate classification (germline): Benign. Review status: criteria provided, multiple submitters, no conflicts (2 of 4 stars). 2 submissions from 2 submitters: Benign (2). Last evaluated 2018-06-14.

Allele frequency attached by ClinVar (database versions not stated): 1000 Genomes Project 30x 0.26218; 1000 Genomes Project 0.26418; TOPMed 0.32245; gnomAD 0.32556 and 0.32881; gnomAD exomes 0.34904.
gnomAD v4.1: 184,620 of 539,344 alleles (34%); highest among the groups gnomAD compares: Non-Finnish European, 38%; 33,244 homozygotes.

Submissions (2):

GeneDx
Classification: Benign. Last evaluated: 2018-06-14. Review status: criteria provided, single submitter. Criteria: GeneDx Variant Classification (06012015). Collection method: clinical testing. Allele origin: germline. Affected: yes.
Comment: This variant is considered likely benign or benign based on one or more of the following criteria: it is a conservative change, it occurs at a poorly conserved position in the protein, it is predicted to be benign by multiple in silico algorithms, and/or has population frequency not consistent with disease.

Breakthrough Genomics
Classification: Benign. Review status: criteria provided, single submitter. Criteria: ACMG Guidelines, 2015. Collection method: not provided. Allele origin: germline. Inheritance: Autosomal recessive inheritance. Affected: yes.